The following is an entry in ClinVar:

ClinVar aggregate classification (germline): Likely pathogenic (1 of 4 stars; one submission).

Conditions:
Hyaline fibromatosis syndrome (HFS). Also called: Hyalinosis, Inherited Systemic; HYALINOSIS, SYSTEMIC. Identifiers: Orphanet 2028, Orphanet 498474, MedGen C5574677, MONDO:0009229, OMIM 228600.

Submission:

Centre for Medical Genetics,  Mumbai
Classification: Likely pathogenic for Hyaline fibromatosis syndrome. Last evaluated: 2026-04-21. Review status: criteria provided, single submitter. Criteria: ACMG Guidelines, 2015. Collection method: provider interpretation. Allele origin: germline. Inheritance: Autosomal recessive inheritance. Affected: no. Observed: 1 variant allele, 1 heterozygote.
Comment: The variant satisfies PM2 criteria - extremely low frequency in gnomAD population databases. The variant satisfies PP3 criteria - for a missense or a splicing region variant, computational prediction tools unanimously support a deleterious effect on the gene. Hence, it should be considered as a likely pathogenic variant for Hyaline fibromatosis syndrome.

Literature cited by the submitters: PubMed 14508707.

NM_058172.6(ANTXR2):c.236G>T (p.Arg79Ile)

Gene: ANTXR2 (ANTXR cell adhesion molecule 2; minus strand). Cytogenetic location: 4q21.21.
Variant type: single nucleotide variant.
Coding change: c.236G>T on transcript NM_058172.6 (MANE Select); coding-DNA position 236, G replaced by T.
Protein change: p.Arg79Ile; replaces arginine 79 with isoleucine.
Molecular consequence: missense variant.
Genome position (GRCh38, 1-based): chr4:80,069,496, C>A on the plus strand (G>T on the coding strand, the complement: ANTXR2 is on the minus strand). VCF-style: chr4-80069496-C-A. GRCh37 (hg19) VCF-style: chr4-80990650-C-A.
Other names: c.236G>T, p.Arg79Ile (NM_001145794.2); c.5G>T, p.Arg2Ile (NM_001286780.2, NM_001286781.2); short protein forms R2I, R79I.
Identifiers: ClinVar variation 4852114 (VCV004852114.1).